The following is an entry in ClinVar:

ClinVar aggregate classification (germline): Pathogenic (1 of 4 stars; one submission).

Allele frequency attached by ClinVar (database versions not stated): TOPMed 0.00014.

Submission:

Labcorp Genetics (formerly Invitae), Labcorp
Classification: Pathogenic. Last evaluated: 2024-09-19. Review status: criteria provided, single submitter. Criteria: Invitae Variant Classification Sherloc (09022015). Collection method: clinical testing. Allele origin: germline.
Comment: This sequence change creates a premature translational stop signal (p.Leu1459*) in the PCLO gene. It is expected to result in an absent or disrupted protein product. Loss-of-function variants in PCLO are known to be pathogenic (PMID: 25832664, 30287594). This variant is not present in population databases (gnomAD no frequency). This variant has not been reported in the literature in individuals affected with PCLO-related conditions. ClinVar contains an entry for this variant (Variation ID: 1423592). For these reasons, this variant has been classified as Pathogenic.

Literature cited by the submitters: PubMed 25832664; PubMed 30287594.

NM_033026.6(PCLO):c.4376_4393del (p.Leu1459_Glu1465delinsTer)

Gene: PCLO (piccolo presynaptic cytomatrix protein; minus strand). Cytogenetic location: 7q21.11.
Variant type: Deletion.
Coding change: c.4376_4393del on transcript NM_033026.6 (MANE Select); coding-DNA positions 4376 to 4393, 18 bases deleted (TGGAAATTACTATTTCAG).
Protein change: p.Leu1459_Glu1465delinsTer.
Molecular consequence: nonsense.
Genome position (GRCh38, 1-based): chr7:82,956,560-82,956,577, CTGAAATAGTAATTTCCA deleted on the plus strand (TGGAAATTACTATTTCAG on the coding strand, the reverse complement: PCLO is on the minus strand). VCF-style (leftmost placement, unchanged base first): chr7-82956559-TCTGAAATAGTAATTTCCA-T. GRCh37 (hg19) VCF-style: chr7-82585875-TCTGAAATAGTAATTTCCA-T.
Other names: c.4376_4393del, p.Leu1459_Glu1465delinsTer (NM_014510.3).
Identifiers: ClinVar variation 1423592 (VCV001423592.6), dbSNP rs1430492924, ClinGen allele CA842963626.